The following is an entry in ClinVar:

NM_172107.4(KCNQ2):c.1452G>A (p.Trp484Ter)

Gene: KCNQ2 (potassium voltage-gated channel subfamily Q member 2; minus strand). Cytogenetic location: 20q13.33.
Variant type: single nucleotide variant.
Coding change: c.1452G>A on transcript NM_172107.4 (MANE Select); coding-DNA position 1452, G replaced by A.
Protein change: p.Trp484Ter; replaces tryptophan 484 with a stop codon.
Molecular consequence: nonsense.
Genome position (GRCh38, 1-based): chr20:63,414,976, C>T on the plus strand (G>A on the coding strand, the complement: KCNQ2 is on the minus strand). VCF-style: chr20-63414976-C-T. GRCh37 (hg19) VCF-style: chr20-62046329-C-T.
Other names: c.1398G>A, p.Trp466Ter (NM_001382235.1, NM_172106.3); c.1368G>A, p.Trp456Ter (NM_004518.6); c.1362G>A, p.Trp454Ter (NM_172108.5); short protein forms W466*, W484*, W454*, W456*.
Identifiers: ClinVar variation 945819 (VCV000945819.8), dbSNP rs2080239750, ClinGen allele CA409646431.

ClinVar aggregate classification (germline): Pathogenic (1 of 4 stars; one submission).

Conditions:
Early-infantile DEE. Also called: Early infantile epileptic encephalopathy; Ohtahara syndrome; Early infantile epileptic encephalopathy with suppression bursts. Identifiers: Orphanet 1934, MedGen C0393706, MONDO:0800491.

Submission:

Labcorp Genetics (formerly Invitae), Labcorp
Classification: Pathogenic for Early-infantile DEE. Last evaluated: 2025-03-30. Review status: criteria provided, single submitter. Criteria: Invitae Variant Classification Sherloc (09022015). Collection method: clinical testing. Allele origin: germline.
Comment: This sequence change creates a premature translational stop signal (p.Trp484*) in the KCNQ2 gene. It is expected to result in an absent or disrupted protein product. Loss-of-function variants in KCNQ2 are known to be pathogenic (PMID: 14534157, 23692823, 27779742). This variant is not present in population databases (gnomAD no frequency). This variant has not been reported in the literature in individuals affected with KCNQ2-related conditions. ClinVar contains an entry for this variant (Variation ID: 945819). For these reasons, this variant has been classified as Pathogenic.

Literature cited by the submitters: PubMed 14534157; PubMed 23692823; PubMed 27779742.